The following is an entry in ClinVar:

ClinVar aggregate classification (germline): Uncertain significance. Review status: criteria provided, multiple submitters, no conflicts (2 of 4 stars). 2 submissions from 2 submitters: Uncertain significance (2). Last evaluated 2025-05-15.

Conditions:
Inborn genetic diseases. Identifiers: MedGen C0950123, MeSH D030342.

gnomAD v4.1: 1 of 1,546,110 alleles (0.000065%); no homozygotes.

Submissions (2):

Ambry Genetics
Classification: Uncertain significance for Inborn genetic diseases. Last evaluated: 2025-05-15. Review status: criteria provided, single submitter. Criteria: Ambry Variant Classification Scheme 2023. Collection method: clinical testing. Allele origin: germline.

CeGaT Center for Human Genetics Tuebingen
Classification: Uncertain significance. Last evaluated: 2024-01-01. Review status: criteria provided, single submitter. Criteria: CeGaT Center For Human Genetics Tuebingen Variant Classification Criteria Version 2. Collection method: clinical testing. Allele origin: germline. Affected: yes. Observed: 1 variant allele.
Comment: NOBOX: PM2

NM_001436401.1(NOBOX):c.536C>T (p.Pro179Leu)

Gene: NOBOX (NOBOX oogenesis homeobox; minus strand). Cytogenetic location: 7q35.
Variant type: single nucleotide variant.
Coding change: c.536C>T on transcript NM_001436401.1 (MANE Select); coding-DNA position 536, C replaced by T.
Protein change: p.Pro179Leu; replaces proline 179 with leucine.
Molecular consequence: missense variant. On other transcripts: intron variant (1).
Genome position (GRCh38, 1-based): chr7:144,401,099, G>A on the plus strand (C>T on the coding strand, the complement: NOBOX is on the minus strand). VCF-style: chr7-144401099-G-A. GRCh37 (hg19) VCF-style: chr7-144098192-G-A.
Other names: NM_001080413.3:c.791C>T; c.38-787C>T (NM_001436402.1); short protein forms P179L.
Identifiers: ClinVar variation 3026094 (VCV003026094.22), dbSNP rs2128861658, ClinGen allele CA369700937.
Genomic context (GRCh38, chr7:144,401,099, plus strand): 5'-GACTTACCTGAGCGGTATAGGGTTCGTGTCTTTTTCCTAATTTGGCAGGTCACTTCCGGG[G>A]GCCCCTGCTTGTGGTCTCTGTTTTGGTTGCTCTGCGCCAATGTACTGAGGAGATTGGCCA-3'
Protein context (NP_001423330.1, residues 169-189): SNQNRDHKQG[Pro179Leu]PEVTCQIRKK